The following is an entry in ClinVar:

NM_007294.4(BRCA1):c.3157G>T (p.Glu1053Ter)

Gene: BRCA1 (BRCA1 DNA repair associated; minus strand). Cytogenetic location: 17q21.31.
Variant type: single nucleotide variant.
Coding change: c.3157G>T on transcript NM_007294.4 (MANE Select); coding-DNA position 3157, G replaced by T.
Protein change: p.Glu1053Ter; replaces glutamic acid 1053 with a stop codon.
Molecular consequence: nonsense. On other transcripts: intron variant (137).
Genome position (GRCh38, 1-based): chr17:43,092,374, C>A on the plus strand (G>T on the coding strand, the complement: BRCA1 is on the minus strand). VCF-style: chr17-43092374-C-A. GRCh37 (hg19) VCF-style: chr17-41244391-C-A.
Other names: c.2944G>T, p.Glu982Ter (NM_001407571.1, NM_001407853.1, NM_001407894.1 and 9 more transcripts); c.3157G>T, p.Glu1053Ter (NM_001407581.1, NM_001407582.1, NM_001407583.1 and 30 more transcripts); c.3154G>T, p.Glu1052Ter (NM_001407587.1, NM_001407590.1, NM_001407591.1 and 22 more transcripts); c.3148G>T, p.Glu1050Ter (NM_001407646.1, NM_001407647.1); c.3034G>T, p.Glu1012Ter (NM_001407648.1, NM_001407664.1, NM_001407665.1 and 19 more transcripts); c.3031G>T, p.Glu1011Ter (NM_001407649.1, NM_001407670.1, NM_001407671.1 and 11 more transcripts); c.3079G>T, p.Glu1027Ter (NM_001407653.1, NM_001407654.1, NM_001407655.1 and 4 more transcripts); c.3076G>T, p.Glu1026Ter (NM_001407659.1, NM_001407660.1, NM_001407661.1 and 1 more transcripts); and 41 more; short protein forms E1053*, E1006*, E1026*, E1027*, E1050*, E757*, E964*, E1012*.
Identifiers: ClinVar variation 187251 (VCV000187251.19), dbSNP rs786203587, ClinGen allele CA002058.
Genomic context (GRCh38, chr17:43,092,374, plus strand): 5'-CTAGTTCTGCTTGAATGTTTTCATCACTGGAACCTATTTCATTAATACTGGAGCCCACTT[C>A]ATTAGTACTGGAACCTACTTCATTAATATTGCTTGAGCTGGCTTCTTTAAAAACATTTTC-3'

ClinVar aggregate classification (germline): Pathogenic. Review status: reviewed by expert panel (3 of 4 stars). 4 submissions from 4 submitters: Pathogenic (1). 3 of the submissions do not count toward it. Last evaluated 2016-09-08.

Conditions:
Hereditary breast ovarian cancer syndrome. Also called: Hereditary breast and ovarian cancer syndrome; Hereditary breast and ovarian cancer syndrome (HBOC); BRCA1- and BRCA2-Associated Hereditary Breast and Ovarian Cancer; Breast and ovarian cancer; Hereditary breast and ovarian cancer; Hereditary breast and/or ovarian cancer syndrome. Identifiers: Orphanet 145, MedGen C0677776, MeSH D061325, MONDO:0003582. Disease mechanism: loss of function.
Hereditary cancer-predisposing syndrome. Also called: Hereditary Cancer Syndrome; Hereditary neoplastic syndrome; Tumor predisposition; Neoplastic Syndromes, Hereditary. Identifiers: Orphanet 140162, MedGen C0027672, MeSH D009386, MONDO:0015356.
Breast-ovarian cancer, familial, susceptibility to, 1 (BROVCA1). Also called: OVARIAN CANCER, SUSCEPTIBILITY TO; BRCA1 Hereditary Breast and Ovarian Cancer. Identifiers: Orphanet 145, MedGen C2676676, MONDO:0011450, OMIM 604370. Disease mechanism: loss of function.

Submissions (4):

Evidence-based Network for the Interpretation of Germline Mutant Alleles (ENIGMA)
Classification: Pathogenic for Breast-ovarian cancer, familial, susceptibility to, 1. Last evaluated: 2016-09-08. Review status: reviewed by expert panel. Criteria: ENIGMA BRCA1/2 Classification Criteria (2015). Collection method: curation. Allele origin: germline.
Comment: Variant allele predicted to encode a truncated non-functional protein.

Labcorp Genetics (formerly Invitae), Labcorp
Classification: Pathogenic for Hereditary breast ovarian cancer syndrome. Last evaluated: 2025-06-16. Review status: criteria provided, single submitter. Criteria: Invitae Variant Classification Sherloc (09022015). Collection method: clinical testing. Allele origin: germline. Not counted in ClinVar's aggregate classification.
Comment: This sequence change creates a premature translational stop signal (p.Glu1053*) in the BRCA1 gene. It is expected to result in an absent or disrupted protein product. Loss-of-function variants in BRCA1 are known to be pathogenic (PMID: 20104584). This variant is not present in population databases (gnomAD no frequency). This premature translational stop signal has been observed in individual(s) with BRCA1-related conditions (PMID: 21520333). ClinVar contains an entry for this variant (Variation ID: 187251). For these reasons, this variant has been classified as Pathogenic.

Ambry Genetics
Classification: Pathogenic for Hereditary cancer-predisposing syndrome. Last evaluated: 2025-05-06. Review status: criteria provided, single submitter. Criteria: Ambry Variant Classification Scheme 2023. Collection method: clinical testing. Allele origin: germline. Not counted in ClinVar's aggregate classification.
Comment: The p.E1053* pathogenic mutation (also known as c.3157G>T), located in coding exon 9 of the BRCA1 gene, results from a G to T substitution at nucleotide position 3157. This changes the amino acid from a glutamic acid to a stop codon within coding exon 9. This variant is considered to be rare based on population cohorts in the Genome Aggregation Database (gnomAD). This alteration is expected to result in loss of function by premature protein truncation or nonsense-mediated mRNA decay. As such, this alteration is interpreted as a disease-causing mutation.

GeneDx
Classification: Pathogenic. Last evaluated: 2023-01-17. Review status: criteria provided, single submitter. Criteria: GeneDx Variant Classification Process June 2021. Collection method: clinical testing. Allele origin: germline. Affected: yes. Not counted in ClinVar's aggregate classification.
Comment: Nonsense variant predicted to result in protein truncation or nonsense mediated decay in a gene for which loss of function is a known mechanism of disease; Not observed at significant frequency in large population cohorts (gnomAD); Truncating variants in this gene are considered pathogenic by a well-established clinical consortium and/or database; Also known as 3276G>T; Observed in an individual with ovarian cancer (Lilyquist et al., 2017); This variant is associated with the following publications: (PMID: 31853058, 32377563, 28888541, 34585039)

Literature cited by the submitters: PubMed 20104584 (cited by Labcorp Genetics (formerly Invitae), Labcorp); PubMed 21520333 (cited by Labcorp Genetics (formerly Invitae), Labcorp).